The following is an entry in ClinVar:

ClinVar aggregate classification (germline): Likely benign (1 of 4 stars; one submission).

Allele frequency attached by ClinVar (database versions not stated): 1000 Genomes Project 30x 0.00156; 1000 Genomes Project 0.00160; ESP Exome Variant Server 0.00493; gnomAD 0.00508; TOPMed 0.00532; ExAC 0.00624; gnomAD exomes 0.00854.
gnomAD v4.1: 13,135 of 1,613,526 alleles (0.81%); highest among the groups gnomAD compares: Non-Finnish European, 0.99%; 60 homozygotes.

Submission:

CeGaT Center for Human Genetics Tuebingen
Classification: Likely benign. Last evaluated: 2023-10-01. Review status: criteria provided, single submitter. Criteria: CeGaT Center For Human Genetics Tuebingen Variant Classification Criteria Version 2. Collection method: clinical testing. Allele origin: germline. Affected: yes. Observed: 1 variant allele.
Comment: CCDC82: BP4, BS2

NM_024725.4(CCDC82):c.100A>G (p.Ile34Val)

Gene: CCDC82 (coiled-coil domain containing 82; minus strand). Cytogenetic location: 11q21.
Variant type: single nucleotide variant.
Coding change: c.100A>G on transcript NM_024725.4 (MANE Select); coding-DNA position 100, A replaced by G.
Protein change: p.Ile34Val; replaces isoleucine 34 with valine.
Molecular consequence: missense variant.
Genome position (GRCh38, 1-based): chr11:96,384,648, T>C on the plus strand (A>G on the coding strand, the complement: CCDC82 is on the minus strand). VCF-style: chr11-96384648-T-C. GRCh37 (hg19) VCF-style: chr11-96117812-T-C.
Other names: c.100A>G, p.Ile34Val (NM_001318736.2, NM_001318737.3, NM_001363594.2); short protein forms I34V.
Identifiers: ClinVar variation 2642308 (VCV002642308.24), dbSNP rs61746142, ClinGen allele CA6241610.